The following is an entry in ClinVar:

NM_004798.4(KIF3B):c.948C>T (p.Asn316=)

Gene: KIF3B (kinesin family member 3B; plus strand). Cytogenetic location: 20q11.21.
Variant type: single nucleotide variant.
Coding change: c.948C>T on transcript NM_004798.4 (MANE Select); coding-DNA position 948, C replaced by T.
Protein change: p.Asn316=; no amino-acid change (asparagine 316 retained).
Molecular consequence: synonymous variant.
Genome position (GRCh38, 1-based): chr20:32,310,725, C>T. VCF-style: chr20-32310725-C-T. GRCh37 (hg19) VCF-style: chr20-30898528-C-T.
Identifiers: ClinVar variation 4281216 (VCV004281216.7).
Genomic context (GRCh38, chr20:32,310,725, plus strand): 5'-GCTTACCAGGCTCCTCCAAGATTCCCTTGGTGGCAATGCCAAGACTGTGATGGTGGCCAA[C>T]GTGGGGCCTGCCTCTTACAACGTAGAAGAGACTCTGACCACTCTGCGATATGCCAACCGT-3'
Protein context (NP_004789.1, residues 306-326): GGNAKTVMVA[Asn316=]VGPASYNVEE

ClinVar aggregate classification (germline): Likely benign (1 of 4 stars; one submission).

gnomAD v4.1: 21 of 1,614,030 alleles (0.0013%); highest among the groups gnomAD compares: Middle Eastern, 0.016%; no homozygotes.

Submission:

CeGaT Center for Human Genetics Tuebingen
Classification: Likely benign. Last evaluated: 2025-09-01. Review status: criteria provided, single submitter. Criteria: CeGaT Center For Human Genetics Tuebingen Variant Classification Criteria Version 2. Collection method: clinical testing. Allele origin: germline. Affected: yes. Observed: 1 variant allele.
Comment: KIF3B: BP4, BP7